The following is an entry in ClinVar:

ClinVar aggregate classification (germline): Uncertain significance. Review status: criteria provided, multiple submitters, no conflicts (2 of 4 stars). 2 submissions from 2 submitters: Uncertain significance (2). Last evaluated 2025-12-19.

Conditions:
Emery-Dreifuss muscular dystrophy 5, autosomal dominant (EDMD5). Also called: EMERY-DREIFUSS MUSCULAR DYSTROPHY 5. Identifiers: Orphanet 261, MedGen C2751805, MONDO:0013072, OMIM 612999.

Allele frequency attached by ClinVar (database versions not stated): gnomAD exomes below 0.00001; TOPMed 0.00001.
gnomAD v4.1: 1 of 1,614,160 alleles (0.000062%); highest among the groups gnomAD compares: Admixed American, 0.0017%; no homozygotes.

Submissions (2):

Labcorp Genetics (formerly Invitae), Labcorp
Classification: Uncertain significance for Emery-Dreifuss muscular dystrophy 5, autosomal dominant. Last evaluated: 2025-12-19. Review status: criteria provided, single submitter. Criteria: Invitae Variant Classification Sherloc (09022015). Collection method: clinical testing. Allele origin: germline.
Comment: This sequence change replaces isoleucine, which is neutral and non-polar, with valine, which is neutral and non-polar, at codon 4345 of the SYNE2 protein (p.Ile4345Val). This variant is not present in population databases (gnomAD no frequency). This variant has not been reported in the literature in individuals affected with SYNE2-related conditions. ClinVar contains an entry for this variant (Variation ID: 2182377). An algorithm developed to predict the effect of missense changes on protein structure and function (PolyPhen-2) suggests that this variant is likely to be tolerated. In summary, the available evidence is currently insufficient to determine the role of this variant in disease. Therefore, it has been classified as a Variant of Uncertain Significance.

Ambry Genetics
Classification: Uncertain significance. Last evaluated: 2025-05-25. Review status: criteria provided, single submitter. Criteria: Ambry Variant Classification Scheme 2023. Collection method: clinical testing. Allele origin: germline.

NM_182914.3(SYNE2):c.13033A>G (p.Ile4345Val)

Gene: SYNE2 (spectrin repeat containing nuclear envelope protein 2; plus strand). Cytogenetic location: 14q23.2.
Variant type: single nucleotide variant.
Coding change: c.13033A>G on transcript NM_182914.3 (MANE Select); coding-DNA position 13033, A replaced by G.
Protein change: p.Ile4345Val; replaces isoleucine 4345 with valine.
Molecular consequence: missense variant.
Genome position (GRCh38, 1-based): chr14:64,120,936, A>G. VCF-style: chr14-64120936-A-G. GRCh37 (hg19) VCF-style: chr14-64587654-A-G.
Other names: c.13033A>G, p.Ile4345Val (NM_015180.6); c.13033A>G (NM_182914.2); short protein forms I4345V.
Identifiers: ClinVar variation 2182377 (VCV002182377.5), dbSNP rs1022434476, ClinGen allele CA261844320.